The following is an entry in ClinVar:

ClinVar aggregate classification (germline): Likely benign (1 of 4 stars; one submission).

Allele frequency attached by ClinVar (database versions not stated): ESP Exome Variant Server 0.00008; ExAC 0.00013; gnomAD exomes 0.00013; gnomAD 0.00014; TOPMed 0.00022.
gnomAD v4.1: 220 of 1,613,948 alleles (0.014%); highest among the groups gnomAD compares: Admixed American, 0.062%; no homozygotes.

Submission:

CeGaT Center for Human Genetics Tuebingen
Classification: Likely benign. Last evaluated: 2023-01-01. Review status: criteria provided, single submitter. Criteria: CeGaT Center For Human Genetics Tuebingen Variant Classification Criteria Version 2. Collection method: clinical testing. Allele origin: germline. Affected: yes. Observed: 1 variant allele.
Comment: BOC: BP4, BP7

NM_001378074.1(BOC):c.1059C>T (p.Ser353=)

Gene: BOC (BOC cell adhesion associated, oncogene regulated; plus strand). Cytogenetic location: 3q13.2.
Variant type: single nucleotide variant.
Coding change: c.1059C>T on transcript NM_001378074.1 (MANE Select); coding-DNA position 1059, C replaced by T.
Protein change: p.Ser353=; no amino-acid change (serine 353 retained).
Molecular consequence: synonymous variant. On other transcripts: non-coding transcript variant (1), intron variant (1).
Genome position (GRCh38, 1-based): chr3:113,273,166, C>T. VCF-style: chr3-113273166-C-T. GRCh37 (hg19) VCF-style: chr3-112992013-C-T.
Other names: c.1059C>T, p.Ser353= (NM_001387919.1, NM_001387920.1, NM_001387921.1 and 10 more transcripts); c.961+463C>T (NM_001387924.1).
Identifiers: ClinVar variation 2654037 (VCV002654037.24), dbSNP rs144269826, ClinGen allele CA2542778.